The following is an entry in ClinVar:

NM_007294.4(BRCA1):c.3868A>T (p.Lys1290Ter)

Genes: BRCA1 (BRCA1 DNA repair associated; minus strand), LOC126862571 (BRD4-independent group 4 enhancer GRCh37_chr17:41243136-41244335; plus strand). Cytogenetic location: 17q21.31.
Variant type: single nucleotide variant.
Coding change: c.3868A>T on transcript NM_007294.4 (MANE Select); coding-DNA position 3868, A replaced by T.
Protein change: p.Lys1290Ter; replaces lysine 1290 with a stop codon.
Molecular consequence: nonsense. On other transcripts: intron variant (135).
Genome position (GRCh38, 1-based): chr17:43,091,663, T>A on the plus strand (A>T on the coding strand, the complement: BRCA1 is on the minus strand). VCF-style: chr17-43091663-T-A. GRCh37 (hg19) VCF-style: chr17-41243680-T-A.
Other names: 3987A>T; c.3601A>T, p.Lys1201Ter (NM_001407932.1, NM_001407934.1, NM_001407936.1 and 2 more transcripts); c.3604A>T, p.Lys1202Ter (NM_001407933.1, NM_001407935.1, NM_001407920.1 and 9 more transcripts); c.3745A>T, p.Lys1249Ter (NM_001407937.1, NM_001407938.1, NM_001407939.1 and 19 more transcripts); c.3742A>T, p.Lys1248Ter (NM_001407940.1, NM_001407941.1, NM_001407649.1 and 11 more transcripts); c.3727A>T, p.Lys1243Ter (NM_001407942.1, NM_001407944.1, NM_001407945.1 and 29 more transcripts); c.3724A>T, p.Lys1242Ter (NM_001407943.1, NM_001407964.1, NM_001407740.1 and 20 more transcripts); c.3535A>T, p.Lys1179Ter (NM_001407946.1, NM_001407947.1, NM_001407948.1 and 6 more transcripts); and 42 more; short protein forms K1290*, K1243*, K1122*, K1178*, K1201*, K1222*, K1223*, K1242*.
Identifiers: ClinVar variation 37554 (VCV000037554.17), dbSNP rs80357254, ClinGen allele CA002492.

ClinVar aggregate classification (germline): Pathogenic. Review status: reviewed by expert panel (3 of 4 stars). 11 submissions from 11 submitters: Pathogenic (1). 10 of the submissions do not count toward it. Last evaluated 2016-09-08.

Conditions:
Breast and/or ovarian cancer. Identifiers: MedGen CN221562.
Hereditary cancer-predisposing syndrome. Also called: Tumor predisposition; Neoplastic Syndromes, Hereditary; Hereditary Cancer Syndrome; Hereditary neoplastic syndrome. Identifiers: Orphanet 140162, MedGen C0027672, MeSH D009386, MONDO:0015356.
Hereditary breast ovarian cancer syndrome. Also called: Hereditary breast and ovarian cancer syndrome (HBOC); Hereditary breast and ovarian cancer syndrome; Hereditary breast and ovarian cancer; Hereditary breast and/or ovarian cancer syndrome; Breast and ovarian cancer; BRCA1- and BRCA2-Associated Hereditary Breast and Ovarian Cancer. Identifiers: Orphanet 145, MedGen C0677776, MeSH D061325, MONDO:0003582. Disease mechanism: loss of function.
Breast-ovarian cancer, familial, susceptibility to, 1 (BROVCA1). Also called: OVARIAN CANCER, SUSCEPTIBILITY TO; BRCA1 Hereditary Breast and Ovarian Cancer. Identifiers: Orphanet 145, MedGen C2676676, MONDO:0011450, OMIM 604370. Disease mechanism: loss of function.

Submissions (11):

Evidence-based Network for the Interpretation of Germline Mutant Alleles (ENIGMA)
Classification: Pathogenic for Breast-ovarian cancer, familial, susceptibility to, 1. Last evaluated: 2016-09-08. Review status: reviewed by expert panel. Criteria: ENIGMA BRCA1/2 Classification Criteria (2015). Collection method: curation. Allele origin: germline.
Comment: Variant allele predicted to encode a truncated non-functional protein.

GeneDx
Classification: Pathogenic. Last evaluated: 2023-08-30. Review status: criteria provided, single submitter. Criteria: GeneDx Variant Classification Process June 2021. Collection method: clinical testing. Allele origin: germline. Affected: yes. Not counted in ClinVar's aggregate classification.
Comment: Nonsense variant predicted to result in protein truncation or nonsense mediated decay in a gene for which loss of function is a known mechanism of disease; Truncating variants in this gene are considered pathogenic by a well-established clinical consortium and/or database; Not observed at significant frequency in large population cohorts (gnomAD); Also known as 3987A>T; This variant is associated with the following publications: (PMID: 29446198, 28122244, 25428789, 12491487, 20104584, 16267036)

Baylor Genetics
Classification: Pathogenic for Breast-ovarian cancer, familial, susceptibility to, 1. Last evaluated: 2023-05-12. Review status: criteria provided, single submitter. Criteria: ACMG Guidelines, 2015. Collection method: clinical testing. Allele origin: unknown. Not counted in ClinVar's aggregate classification.

Labcorp Genetics (formerly Invitae), Labcorp
Classification: Pathogenic for Hereditary breast ovarian cancer syndrome. Last evaluated: 2022-11-08. Review status: criteria provided, single submitter. Criteria: Invitae Variant Classification Sherloc (09022015). Collection method: clinical testing. Allele origin: germline. Not counted in ClinVar's aggregate classification.
Comment: This premature translational stop signal has been observed in individual(s) with breast cancer (PMID: 12491487, 25428789). For these reasons, this variant has been classified as Pathogenic. ClinVar contains an entry for this variant (Variation ID: 37554). This variant is not present in population databases (gnomAD no frequency). This sequence change creates a premature translational stop signal (p.Lys1290*) in the BRCA1 gene. It is expected to result in an absent or disrupted protein product. Loss-of-function variants in BRCA1 are known to be pathogenic (PMID: 20104584).

Ambry Genetics
Classification: Pathogenic for Hereditary cancer-predisposing syndrome. Last evaluated: 2022-09-01. Review status: criteria provided, single submitter. Criteria: Ambry Variant Classification Scheme 2023. Collection method: clinical testing. Allele origin: germline. Not counted in ClinVar's aggregate classification.
Comment: The p.K1290* pathogenic mutation (also known as c.3868A>T), located in coding exon 9 of the BRCA1 gene, results from an A to T substitution at nucleotide position 3868. This changes the amino acid from a lysine to a stop codon within coding exon 9. In addition to the clinical data presented in the literature, this alteration is expected to result in loss of function by premature protein truncation or nonsense-mediated mRNA decay. As such, this alteration is interpreted as a disease-causing mutation.

Women's Health and Genetics/Laboratory Corporation of America, LabCorp
Classification: Pathogenic for Hereditary breast and ovarian cancer syndrome. Last evaluated: 2019-08-01. Review status: criteria provided, single submitter. Criteria: LabCorp Variant Classification Summary - May 2015. Collection method: clinical testing. Allele origin: germline. Not counted in ClinVar's aggregate classification.
Comment: Variant summary: BRCA1 c.3868A>T (p.Lys1290X) results in a premature termination codon, predicted to cause a truncation of the encoded protein or absence of the protein due to nonsense mediated decay, which are commonly known mechanisms for disease. Truncations downstream of this position have been classified as pathogenic by our laboratory (c.3893C>A, p.Ser1298X; c.3937C>T, p.Gln1313X; c.4015G>T, p.Glu1339X). The variant was absent in 251164 control chromosomes (gnomAD). The variant, c.3868A>T, has been reported in the literature in individuals affected with breast cancer and/or ovarian cancer (Judkins_2005, Olopade_2003, Churpek_2015, Mgbemena_2017, Rebbeck_2018). These data indicate that the variant is likely to be associated with disease. To our knowledge, no experimental evidence demonstrating an impact on protein function has been reported. Three ClinVar submissions including one expert panel (ENIGMA) (evaluation after 2014) classified the variant as pathogenic. Based on the evidence outlined above, the variant was classified as pathogenic.

Consortium of Investigators of Modifiers of BRCA1/2 (CIMBA), c/o University of Cambridge
Classification: Pathogenic for Breast-ovarian cancer, familial, susceptibility to, 1. Last evaluated: 2015-10-02. Review status: criteria provided, single submitter. Criteria: CIMBA Mutation Classification guidelines May 2016. Collection method: clinical testing. Allele origin: germline. Not counted in ClinVar's aggregate classification.

CZECANCA consortium
Classification: Pathogenic for Breast and/or ovarian cancer. Last evaluated: 2019-06-11. Review status: no assertion criteria provided. Collection method: clinical testing. Allele origin: germline. Affected: yes. Observed: 1 variant allele. Not counted in ClinVar's aggregate classification.

Research Molecular Genetics Laboratory, Women's College Hospital, University of Toronto
Classification: Pathogenic for Hereditary breast ovarian cancer syndrome. Last evaluated: 2014-01-31. Review status: no assertion criteria provided. Collection method: research. Allele origin: germline. Affected: yes. Study: The Canadian Open Genetics Repository (COGR). Not counted in ClinVar's aggregate classification.

Sharing Clinical Reports Project (SCRP)
Classification: Pathogenic for Breast-ovarian cancer, familial 1. Last evaluated: 2011-03-17. Review status: no assertion criteria provided. Collection method: clinical testing. Allele origin: germline. Not counted in ClinVar's aggregate classification.

Breast Cancer Information Core (BIC) (BRCA1)
Classification: Pathogenic for Breast-ovarian cancer, familial 1. Review status: no assertion criteria provided. Collection method: clinical testing. Allele origin: germline. Affected: yes. Observed: 2 variant alleles. Not counted in ClinVar's aggregate classification.

Literature cited by the submitters: PubMed 12491487 (cited by Labcorp Genetics (formerly Invitae), Labcorp and Women's Health and Genetics/Laboratory Corporation of America, LabCorp); PubMed 25428789 (cited by 3 submitters); PubMed 20104584 (cited by Labcorp Genetics (formerly Invitae), Labcorp); PubMed 16267036 (cited by Women's Health and Genetics/Laboratory Corporation of America, LabCorp); PubMed 29446198 (cited by Women's Health and Genetics/Laboratory Corporation of America, LabCorp); PubMed 28122244 (cited by Women's Health and Genetics/Laboratory Corporation of America, LabCorp); PubMed 32295079 (cited by CZECANCA consortium).